The following is an entry in ClinVar:

ClinVar aggregate classification (germline): Likely benign (1 of 4 stars; one submission).

Allele frequency attached by ClinVar (database versions not stated): gnomAD exomes 0.00074 and 0.00171; ExAC 0.00210; gnomAD 0.00639 and 0.00676; ESP Exome Variant Server 0.00738; TOPMed 0.00749; 1000 Genomes Project 0.00799; 1000 Genomes Project 30x 0.00828.
gnomAD v4.1: 2,120 of 1,612,830 alleles (0.13%); highest among the groups gnomAD compares: African/African-American, 2.2%; 28 homozygotes.

Submission:

GeneDx
Classification: Likely benign. Last evaluated: 2019-06-21. Review status: criteria provided, single submitter. Criteria: GeneDx Variant Classification Process June 2021. Collection method: clinical testing. Allele origin: germline. Affected: yes.
Comment: See Variant Classification Assertion Criteria.

NM_001868.4(CPA1):c.*16C>A

Gene: CPA1 (carboxypeptidase A1; plus strand). Cytogenetic location: 7q32.2.
Variant type: single nucleotide variant.
Coding change: c.*16C>A on transcript NM_001868.4 (MANE Select); 16 bases downstream of the stop codon, C replaced by A.
Molecular consequence: 3 prime UTR variant.
Genome position (GRCh38, 1-based): chr7:130,388,027, C>A. VCF-style: chr7-130388027-C-A. GRCh37 (hg19) VCF-style: chr7-130027868-C-A.
Identifiers: ClinVar variation 1697997 (VCV001697997.2), dbSNP rs148908145, ClinGen allele CA4485094.
Genomic context (GRCh38, chr7:130,388,027, plus strand): 5'-GCGCTTCTGACCATCATGGAGCACACCCTGAATCACCCCTACTGAGCTGACCCTTTGACA[C>A]CCTTCTTGTCCTCCTCTCTGGCCCCATCCAGGCAACCAAATAAAGTTTGAGTGTACCAGG-3'